The following is an entry in ClinVar:

NM_014915.3(ANKRD26):c.936C>T (p.Ser312=)

Gene: ANKRD26 (ankyrin repeat domain 26; minus strand). Cytogenetic location: 10p12.1.
Variant type: single nucleotide variant.
Coding change: c.936C>T on transcript NM_014915.3 (MANE Select); coding-DNA position 936, C replaced by T.
Protein change: p.Ser312=; no amino-acid change (serine 312 retained).
Molecular consequence: synonymous variant.
Genome position (GRCh38, 1-based): chr10:27,077,479, G>A on the plus strand (C>T on the coding strand, the complement: ANKRD26 is on the minus strand). VCF-style: chr10-27077479-G-A. GRCh37 (hg19) VCF-style: chr10-27366408-G-A.
Other names: p.Ser312=; c.936C>T, p.Ser312= (NM_001256053.2).
Identifiers: ClinVar variation 1216309 (VCV001216309.8), dbSNP rs770877386, ClinGen allele CA5448733.

ClinVar aggregate classification (germline): Likely benign. Review status: criteria provided, multiple submitters, no conflicts (2 of 4 stars). 5 submissions from 5 submitters: Likely benign (5). Last evaluated 2025-06-29.

Conditions:
Inborn genetic diseases. Identifiers: MedGen C0950123, MeSH D030342.

Allele frequency attached by ClinVar (database versions not stated): gnomAD exomes 0.00006; ExAC 0.00006.
gnomAD v4.1: 103 of 1,613,758 alleles (0.0064%); highest among the groups gnomAD compares: Middle Eastern, 0.066%; no homozygotes.

Submissions (5):

Labcorp Genetics (formerly Invitae), Labcorp
Classification: Likely benign. Last evaluated: 2025-06-29. Review status: criteria provided, single submitter. Criteria: Invitae Variant Classification Sherloc (09022015). Collection method: clinical testing. Allele origin: germline.

Ambry Genetics
Classification: Likely benign for Inborn genetic diseases. Last evaluated: 2024-11-22. Review status: criteria provided, single submitter. Criteria: Ambry Variant Classification Scheme 2023. Collection method: clinical testing. Allele origin: germline.

Mayo Clinic Laboratories, Mayo Clinic
Classification: Likely benign. Last evaluated: 2024-10-09. Review status: criteria provided, single submitter. Criteria: ACMG Guidelines, 2015. Collection method: clinical testing. Allele origin: germline. Observed: 1 variant allele.
Comment: BP4, BP7

GeneDx
Classification: Likely benign. Last evaluated: 2021-05-25. Review status: criteria provided, single submitter. Criteria: GeneDx Variant Classification Process June 2021. Collection method: clinical testing. Allele origin: germline. Affected: yes.

Breakthrough Genomics
Classification: Likely benign. Review status: criteria provided, single submitter. Criteria: ACMG Guidelines, 2015. Collection method: not provided. Allele origin: germline. Inheritance: Autosomal dominant inheritance. Affected: yes.